The following is an entry in ClinVar:

ClinVar aggregate classification (germline): Likely benign (0 of 4 stars; one submission).

Conditions:
CDH15-related disorder. Also called: CDH15-related condition.

Allele frequency attached by ClinVar (database versions not stated): 1000 Genomes Project 0.00040; 1000 Genomes Project 30x 0.00047.
gnomAD v4.1: 20 of 1,600,676 alleles (0.0012%); highest among the groups gnomAD compares: East Asian, 0.029%; no homozygotes.

Submission:

PreventionGenetics, part of Exact Sciences
Classification: Likely benign for CDH15-related condition. Last evaluated: 2019-06-13. Review status: no assertion criteria provided. Collection method: clinical testing. Allele origin: germline.
Comment: This variant is classified as likely benign based on ACMG/AMP sequence variant interpretation guidelines (Richards et al. 2015 PMID: 25741868, with internal and published modifications).

NM_004933.3(CDH15):c.1980G>C (p.Gly660=)

Gene: CDH15 (cadherin 15; plus strand). Cytogenetic location: 16q24.3.
Variant type: single nucleotide variant.
Coding change: c.1980G>C on transcript NM_004933.3 (MANE Select); coding-DNA position 1980, G replaced by C.
Protein change: p.Gly660=; no amino-acid change (glycine 660 retained).
Molecular consequence: synonymous variant.
Genome position (GRCh38, 1-based): chr16:89,193,594, G>C. VCF-style: chr16-89193594-G-C. GRCh37 (hg19) VCF-style: chr16-89260002-G-C.
Identifiers: ClinVar variation 3034413 (VCV003034413.2), dbSNP rs374687154, ClinGen allele CA8239492.
Genomic context (GRCh38, chr16:89,193,594, plus strand): 5'-GCACGGCCCCCAGGACGACCTTCGAGACAATGTCCTCAACTACGATGAGCAAGGAGGCGG[G>C]GAGGAGGACCAGGTGAGGGGGCAGGTGTGGGTGGGGAGGGGTCCCCAAGGAACCCAGGTC-3'
Protein context (NP_004924.1, residues 650-670): NVLNYDEQGG[Gly660=]EEDQDAYDIS